The following is an entry in ClinVar:

ClinVar aggregate classification (germline): Uncertain significance. Review status: criteria provided, multiple submitters, no conflicts (2 of 4 stars). 2 submissions from 2 submitters: Uncertain significance (2). Last evaluated 2025-08-29.

Conditions:
Inborn genetic diseases. Identifiers: MedGen C0950123, MeSH D030342.

Submissions (2):

Ambry Genetics
Classification: Uncertain significance for Inborn genetic diseases. Last evaluated: 2025-08-29. Review status: criteria provided, single submitter. Criteria: Ambry Variant Classification Scheme 2023. Collection method: clinical testing. Allele origin: germline.

GeneDx
Classification: Uncertain significance. Last evaluated: 2019-11-20. Review status: criteria provided, single submitter. Criteria: GeneDx Variant Classification Process June 2021. Collection method: clinical testing. Allele origin: germline. Affected: yes.
Comment: In silico analysis, which includes protein predictors and evolutionary conservation, supports a deleterious effect; Has not been previously published as pathogenic or benign to our knowledge

NM_006030.4(CACNA2D2):c.3263C>T (p.Pro1088Leu)

Genes: CACNA2D2 (calcium voltage-gated channel auxiliary subunit alpha2delta 2; minus strand), LOC127898564 (CYB561D2-LOC101928965; plus strand). Cytogenetic location: 3p21.31.
Variant type: single nucleotide variant.
Coding change: c.3263C>T on transcript NM_006030.4 (MANE Select); coding-DNA position 3263, C replaced by T.
Protein change: p.Pro1088Leu; replaces proline 1088 with leucine.
Molecular consequence: missense variant.
Genome position (GRCh38, 1-based): chr3:50,364,916, G>A on the plus strand (C>T on the coding strand, the complement: CACNA2D2 is on the minus strand). VCF-style: chr3-50364916-G-A. GRCh37 (hg19) VCF-style: chr3-50402347-G-A.
Other names: c.3269C>T, p.Pro1090Leu (NM_001005505.3); c.3284C>T, p.Pro1095Leu (NM_001174051.3); c.3062C>T, p.Pro1021Leu (NM_001291101.1); c.3284C>T (NM_001174051.1); short protein forms P1021L, P1088L, P1090L, P1095L.
Identifiers: ClinVar variation 1304687 (VCV001304687.3), dbSNP rs2109395232, ClinGen allele CA352900443.